The following is an entry in ClinVar:

ClinVar aggregate classification (germline): Uncertain significance. Review status: criteria provided, multiple submitters, no conflicts (2 of 4 stars). 2 submissions from 2 submitters: Uncertain significance (2). Last evaluated 2024-05-09.

Conditions:
CSNK2A1-related disorder. Also called: CSNK2A1- Related Disorders; CSNK2A1-related condition.

Submissions (2):

GeneDx
Classification: Uncertain significance. Last evaluated: 2024-05-09. Review status: criteria provided, single submitter. Criteria: GeneDx Variant Classification Process June 2021. Collection method: clinical testing. Allele origin: germline. Affected: yes.
Comment: Not observed at significant frequency in large population cohorts (gnomAD); In silico analysis indicates that this missense variant does not alter protein structure/function; Has not been previously published as pathogenic or benign to our knowledge

PreventionGenetics, part of Exact Sciences
Classification: Uncertain significance for CSNK2A1-related condition. Last evaluated: 2023-08-19. Review status: criteria provided, single submitter. Criteria: ACMG Guidelines, 2015. Collection method: clinical testing. Allele origin: germline.
Comment: The CSNK2A1 c.990C>A variant is predicted to result in the amino acid substitution p.Asp330Glu. To our knowledge, this variant has not been reported in the literature or in a large population database, indicating this variant is rare. At this time, the clinical significance of this variant is uncertain due to the absence of conclusive functional and genetic evidence.

NM_177559.3(CSNK2A1):c.990C>A (p.Asp330Glu)

Gene: CSNK2A1 (casein kinase 2 alpha 1; minus strand). Cytogenetic location: 20p13.
Variant type: single nucleotide variant.
Coding change: c.990C>A on transcript NM_177559.3 (MANE Select); coding-DNA position 990, C replaced by A.
Protein change: p.Asp330Glu; replaces aspartic acid 330 with glutamic acid.
Molecular consequence: missense variant.
Genome position (GRCh38, 1-based): chr20:486,446, G>T on the plus strand (C>A on the coding strand, the complement: CSNK2A1 is on the minus strand). VCF-style: chr20-486446-G-T. GRCh37 (hg19) VCF-style: chr20-467090-G-T.
Other names: c.990C>A, p.Asp330Glu (NM_001362770.2, NM_001362771.2, NM_001895.4); c.582C>A, p.Asp194Glu (NM_177560.3); short protein forms D194E, D330E.
Identifiers: ClinVar variation 2630977 (VCV002630977.2), dbSNP rs2018101087, ClinGen allele CA407923288.
Genomic context (GRCh38, chr20:486,446, plus strand): 5'-ATTGGCGCTGCTGACGGGCGTACTGCCCCCTGGCATGCTAGATGAACCCATTCGAGCCTG[G>T]TCCTTCACAACAGTGTCTAGAAAAGAGACAAAAAGGCTAGGTTCTGTTTTGCTTGAAAGA-3'
Protein context (NP_808227.1, residues 320-340): EHPYFYTVVK[Asp330Glu]QARMGSSSMP